The following is an entry in ClinVar:

ClinVar aggregate classification (germline): Uncertain significance. Review status: criteria provided, multiple submitters, no conflicts (2 of 4 stars). 4 submissions from 4 submitters: Uncertain significance (4). Last evaluated 2025-01-20.

Conditions:
Inborn genetic diseases. Identifiers: MedGen C0950123, MeSH D030342.
Central core myopathy (CMYO1A). Also called: CONGENITAL MYOPATHY 1A, AUTOSOMAL DOMINANT, WITH SUSCEPTIBILITY TO MALIGNANT HYPERTHERMIA; Central core disease; Myopathy, central fibrillar. Identifiers: Orphanet 597, MedGen C5830701, MONDO:0007294, OMIM 117000.
Congenital myopathy with fiber type disproportion. Also called: Congenital fiber-type disproportion myopathy; Congenital fiber-type disproportion. Identifiers: Orphanet 2020, MedGen C0546264, MONDO:0009711. Inheritance: all.
King Denborough syndrome (KDS). Identifiers: MedGen C1840365, MONDO:0020485, OMIM 619542.
Malignant hyperthermia, susceptibility to, 1 (MHS1). Also called: RYR1-Related Malignant Hyperthermia Susceptibility; Anesthesia related hyperthermia; Malignant hyperpyrexia; Fulminating hyperpyrexia; Pharmacogenic myopathy; Malignant hyperthermia suceptibility 1. Identifiers: Orphanet 423, MedGen C2930980, MONDO:0007783, OMIM 145600.
Congenital multicore myopathy with external ophthalmoplegia (CMYO1B). Also called: Congenital myopathy 1B, autosomal recessive; Minicore myopathy; MULTIMINICORE DISEASE WITH EXTERNAL OPHTHALMOPLEGIA; Minicore myopathy with external ophthalmoplegia; MULTICORE MYOPATHY. Identifiers: Orphanet 598, Orphanet 98905, MedGen C1850674, MONDO:0009712, OMIM 255320, HP:0003789.
RYR1-related disorder. Also called: RYR1-related condition; RYR1-related disorders. Identifiers: MedGen CN239331.

Allele frequency attached by ClinVar (database versions not stated): TOPMed below 0.00001; gnomAD exomes 0.00001.
gnomAD v4.1: 3 of 1,613,562 alleles (0.00019%); highest among the groups gnomAD compares: Non-Finnish European, 0.00025%; no homozygotes.

Submissions (4):

Ambry Genetics
Classification: Uncertain significance for Inborn genetic diseases. Last evaluated: 2025-01-20. Review status: criteria provided, single submitter. Criteria: Ambry Variant Classification Scheme 2023. Collection method: clinical testing. Allele origin: germline.

All of Us Research Program, National Institutes of Health
Classification: Uncertain significance for Malignant hyperthermia, susceptibility to, 1. Last evaluated: 2024-07-29. Review status: criteria provided, single submitter. Criteria: ACMG Guidelines, 2015. Collection method: clinical testing. Allele origin: germline. Inheritance: Autosomal dominant inheritance. Observed: 1 variant allele, 1 heterozygote.
Comment: This missense variant replaces asparagine with serine at codon 646 of the RYR1 protein. Computational prediction suggests that this variant may have deleterious impact on protein structure and function (internally defined REVEL score threshold >= 0.7, PMID: 27666373). To our knowledge, functional studies have not been reported for this variant. This variant has not been reported in individuals affected with RYR1-related disorders in the literature. This variant has not been identified in the general population by the Genome Aggregation Database (gnomAD). The available evidence is insufficient to determine the role of this variant in disease conclusively. Therefore, this variant is classified as a Variant of Uncertain Significance.

This study involves interpretation of variants in research participants for the purpose of population health screening. Participant phenotype was not available at the time of variant classification. Additional details can be found in publication PMID: 35346344, PMCID: PMC8962531

Labcorp Genetics (formerly Invitae), Labcorp
Classification: Uncertain significance for RYR1-related disorder. Last evaluated: 2024-06-26. Review status: criteria provided, single submitter. Criteria: Invitae Variant Classification Sherloc (09022015). Collection method: clinical testing. Allele origin: germline.
Comment: This sequence change replaces asparagine, which is neutral and polar, with serine, which is neutral and polar, at codon 646 of the RYR1 protein (p.Asn646Ser). This variant is not present in population databases (gnomAD no frequency). This variant has not been reported in the literature in individuals affected with RYR1-related conditions. ClinVar contains an entry for this variant (Variation ID: 565426). Advanced modeling of protein sequence and biophysical properties (such as structural, functional, and spatial information, amino acid conservation, physicochemical variation, residue mobility, and thermodynamic stability) performed at Invitae indicates that this missense variant is expected to disrupt RYR1 protein function with a positive predictive value of 80%. In summary, the available evidence is currently insufficient to determine the role of this variant in disease. Therefore, it has been classified as a Variant of Uncertain Significance.

Fulgent Genetics
Classification: Uncertain significance for Central core myopathy; Malignant hyperthermia, susceptibility to, 1; Congenital myopathy 4A, autosomal dominant; Congenital multicore myopathy with external ophthalmoplegia; King Denborough syndrome. Last evaluated: 2021-09-01. Review status: criteria provided, single submitter. Criteria: ACMG Guidelines, 2015. Collection method: clinical testing. Allele origin: unknown.

NM_000540.3(RYR1):c.1937A>G (p.Asn646Ser)

Gene: RYR1 (ryanodine receptor 1; plus strand). Cytogenetic location: 19q13.2.
Variant type: single nucleotide variant.
Coding change: c.1937A>G on transcript NM_000540.3 (MANE Select); coding-DNA position 1937, A replaced by G.
Protein change: p.Asn646Ser; replaces asparagine 646 with serine.
Molecular consequence: missense variant.
Genome position (GRCh38, 1-based): chr19:38,458,062, A>G. VCF-style: chr19-38458062-A-G. GRCh37 (hg19) VCF-style: chr19-38948702-A-G.
Other names: c.1937A>G, p.Asn646Ser (NM_001042723.2); short protein forms N646S.
Identifiers: ClinVar variation 565426 (VCV000565426.12), dbSNP rs1316726339, ClinGen allele CA405694969.